The following is an entry in ClinVar:

ClinVar aggregate classification (germline): Uncertain significance (1 of 4 stars; one submission).

Conditions:
Inborn genetic diseases. Identifiers: MedGen C0950123, MeSH D030342.

gnomAD v4.1: 6 of 1,614,192 alleles (0.00037%); highest among the groups gnomAD compares: Non-Finnish European, 0.00051%; no homozygotes.

Submission:

Ambry Genetics
Classification: Uncertain significance for Inborn genetic diseases. Last evaluated: 2025-11-01. Review status: criteria provided, single submitter. Criteria: Ambry Variant Classification Scheme 2023. Collection method: clinical testing. Allele origin: germline.
Comment: The p.H800Y variant (also known as c.2398C>T), located in coding exon 12 of the BMPR2 gene, results from a C to T substitution at nucleotide position 2398. The histidine at codon 800 is replaced by tyrosine, an amino acid with similar properties. This amino acid position is conserved. In addition, the in silico prediction for this alteration is inconclusive. Based on the available evidence, the clinical significance of this variant remains unclear.

NM_001204.7(BMPR2):c.2398C>T (p.His800Tyr)

Gene: BMPR2 (bone morphogenetic protein receptor type 2; plus strand). Cytogenetic location: 2q33.2.
Variant type: single nucleotide variant.
Coding change: c.2398C>T on transcript NM_001204.7 (MANE Select); coding-DNA position 2398, C replaced by T.
Protein change: p.His800Tyr; replaces histidine 800 with tyrosine.
Molecular consequence: missense variant.
Genome position (GRCh38, 1-based): chr2:202,556,063, C>T. VCF-style: chr2-202556063-C-T. GRCh37 (hg19) VCF-style: chr2-203420786-C-T.
Other names: short protein forms H800Y.
Identifiers: ClinVar variation 2274311 (VCV002274311.3), dbSNP rs760360705, ClinGen allele CA350348489.